The following is an entry in ClinVar:

NM_005334.3(HCFC1):c.556G>A (p.Ala186Thr)

Gene: HCFC1 (host cell factor C1; minus strand). Cytogenetic location: Xq28.
Variant type: single nucleotide variant.
Coding change: c.556G>A on transcript NM_005334.3 (MANE Select); coding-DNA position 556, G replaced by A.
Protein change: p.Ala186Thr; replaces alanine 186 with threonine.
Molecular consequence: missense variant.
Genome position (GRCh38, 1-based): chrX:153,963,381, C>T on the plus strand (G>A on the coding strand, the complement: HCFC1 is on the minus strand). VCF-style: chrX-153963381-C-T. GRCh37 (hg19) VCF-style: chrX-153228832-C-T.
Other names: c.556G>A, p.Ala186Thr (NM_001410705.1); short protein forms A186T.
Identifiers: ClinVar variation 3344180 (VCV003344180.1).

ClinVar aggregate classification (germline): Uncertain significance (0 of 4 stars; one submission).

Conditions:
HCFC1-related disorder. Also called: HCFC1-related condition.

gnomAD v4.1: 1 of 1,210,835 alleles (0.000083%); highest among the groups gnomAD compares: Non-Finnish European, 0.00011%; no homozygotes.

Submission:

PreventionGenetics, part of Exact Sciences
Classification: Uncertain significance for HCFC1-related condition. Last evaluated: 2024-04-25. Review status: no assertion criteria provided. Collection method: clinical testing. Allele origin: germline.
Comment: The HCFC1 c.556G>A variant is predicted to result in the amino acid substitution p.Ala186Thr. To our knowledge, this variant has not been reported in the literature. This variant is reported in 0.0012% of alleles in individuals of European (Non-Finnish) descent in gnomAD. At this time, the clinical significance of this variant is uncertain due to the absence of conclusive functional and genetic evidence.